The following is an entry in ClinVar:

ClinVar aggregate classification (germline): Likely benign (1 of 4 stars; one submission).

Allele frequency attached by ClinVar (database versions not stated): ExAC 0.00007.
gnomAD v4.1: 26 of 1,586,548 alleles (0.0016%); highest among the groups gnomAD compares: Admixed American, 0.0037%; no homozygotes.

Submission:

CeGaT Center for Human Genetics Tuebingen
Classification: Likely benign. Last evaluated: 2022-10-01. Review status: criteria provided, single submitter. Criteria: CeGaT Center For Human Genetics Tuebingen Variant Classification Criteria Version 2. Collection method: clinical testing. Allele origin: germline. Affected: yes. Observed: 1 variant allele.
Comment: KDM5B: BP4, BP7

NM_006618.5(KDM5B):c.753C>G (p.Ala251=)

Gene: KDM5B (lysine demethylase 5B; minus strand). Cytogenetic location: 1q32.1.
Variant type: single nucleotide variant.
Coding change: c.753C>G on transcript NM_006618.5 (MANE Select); coding-DNA position 753, C replaced by G.
Protein change: p.Ala251=; no amino-acid change (alanine 251 retained).
Molecular consequence: synonymous variant.
Genome position (GRCh38, 1-based): chr1:202,764,104, G>C on the plus strand (C>G on the coding strand, the complement: KDM5B is on the minus strand). VCF-style: chr1-202764104-G-C. GRCh37 (hg19) VCF-style: chr1-202733232-G-C.
Other names: c.861C>G, p.Ala287= (NM_001314042.2); c.618C>G, p.Ala206= (NM_001347591.2); c.738C>G, p.Ala246= (NM_001399817.1).
Identifiers: ClinVar variation 2639804 (VCV002639804.24), dbSNP rs375963855, ClinGen allele CA1334892.
Genomic context (GRCh38, chr1:202,764,104, plus strand): 5'-CTTACCATTTTCACATTTTGGAGTTGGACAACCCATTCGACGTCTCAGATTATGAGTTCT[G>C]GCTTCCGTTGTCTCCTCGGGTTCTATTTTAATATTCATGGCCTTAAAAAAATTGTCATAT-3'
Protein context (NP_006609.3, residues 241-261): IKIEPEETTE[Ala251=]RTHNLRRRMG